The following is an entry in ClinVar:

NM_001369.3(DNAH5):c.1669G>A (p.Val557Ile)

Gene: DNAH5 (dynein axonemal heavy chain 5; minus strand). Cytogenetic location: 5p15.2.
Variant type: single nucleotide variant.
Coding change: c.1669G>A on transcript NM_001369.3 (MANE Select); coding-DNA position 1669, G replaced by A.
Protein change: p.Val557Ile; replaces valine 557 with isoleucine.
Molecular consequence: missense variant.
Genome position (GRCh38, 1-based): chr5:13,902,114, C>T on the plus strand (G>A on the coding strand, the complement: DNAH5 is on the minus strand). VCF-style: chr5-13902114-C-T. GRCh37 (hg19) VCF-style: chr5-13902223-C-T.
Other names: c.1669G>A (NM_001369.2); short protein forms V557I.
Identifiers: ClinVar variation 2172581 (VCV002172581.5), dbSNP rs1241187163, ClinGen allele CA359208467.
Genomic context (GRCh38, chr5:13,902,114, plus strand): 5'-TTTCAAATTTCTTCAACATTCTTAGAGCTTGATTTGTGTTTTGAATCTTTGCAAATGTAA[C>T]ATCCATGAACTTCCGCAACTCGTTCTAAAACAGAATAAAATCTGATGATGAACAATAGAA-3'
Protein context (NP_001360.1, residues 547-567): LHNELRKFMD[Val557Ile]TFAKIQNTNQ

ClinVar aggregate classification (germline): Conflicting classifications of pathogenicity. Review status: criteria provided, conflicting classifications (1 of 4 stars). 2 submissions from 2 submitters: Uncertain significance (1); Benign (1). Last evaluated 2024-01-18.

Conditions:
Primary ciliary dyskinesia. Also called: Ciliary dyskinesia. Identifiers: Orphanet 244, MedGen C0008780, MONDO:0016575, HP:0012265.

Allele frequency attached by ClinVar (database versions not stated): gnomAD 0.00001; gnomAD exomes 0.00001; TOPMed 0.00002.
gnomAD v4.1: 10 of 1,608,644 alleles (0.00062%); highest among the groups gnomAD compares: African/African-American, 0.008%; no homozygotes.

Submissions (2):

Labcorp Genetics (formerly Invitae), Labcorp
Classification: Benign for Primary ciliary dyskinesia. Last evaluated: 2024-01-18. Review status: criteria provided, single submitter. Criteria: Invitae Variant Classification Sherloc (09022015). Collection method: clinical testing. Allele origin: germline.

GeneDx
Classification: Uncertain significance. Last evaluated: 2023-11-16. Review status: criteria provided, single submitter. Criteria: GeneDx Variant Classification Process June 2021. Collection method: clinical testing. Allele origin: germline. Affected: yes.
Comment: In silico analysis supports that this missense variant does not alter protein structure/function; Has not been previously published as pathogenic or benign to our knowledge